The following is an entry in ClinVar:

ClinVar aggregate classification (germline): Uncertain significance (1 of 4 stars; one submission).

Allele frequency attached by ClinVar (database versions not stated): gnomAD 0.00001; TOPMed 0.00001; 1000 Genomes Project 30x 0.00031; 1000 Genomes Project 0.00040.
gnomAD v4.1: 8 of 1,471,092 alleles (0.00054%); highest among the groups gnomAD compares: African/African-American, 0.0044%; no homozygotes.

Submission:

Labcorp Genetics (formerly Invitae), Labcorp
Classification: Uncertain significance. Last evaluated: 2022-06-14. Review status: criteria provided, single submitter. Criteria: Invitae Variant Classification Sherloc (09022015). Collection method: clinical testing. Allele origin: germline.
Comment: This sequence change replaces arginine, which is basic and polar, with glycine, which is neutral and non-polar, at codon 1028 of the ZNF469 protein (p.Arg1028Gly). This variant is not present in population databases (gnomAD no frequency). This variant has not been reported in the literature in individuals affected with ZNF469-related conditions. Algorithms developed to predict the effect of missense changes on protein structure and function are either unavailable or do not agree on the potential impact of this missense change (SIFT: "Deleterious"; PolyPhen-2: "Benign"; Align-GVGD: "Class C0"). In summary, the available evidence is currently insufficient to determine the role of this variant in disease. Therefore, it has been classified as a Variant of Uncertain Significance.

NM_001367624.2(ZNF469):c.3082C>G (p.Arg1028Gly)

Gene: ZNF469 (zinc finger protein 469; plus strand). Cytogenetic location: 16q24.2.
Variant type: single nucleotide variant.
Coding change: c.3082C>G on transcript NM_001367624.2 (MANE Select); coding-DNA position 3082, C replaced by G.
Protein change: p.Arg1028Gly; replaces arginine 1028 with glycine.
Molecular consequence: missense variant.
Genome position (GRCh38, 1-based): chr16:88,430,552, C>G. VCF-style: chr16-88430552-C-G. GRCh37 (hg19) VCF-style: chr16-88496960-C-G.
Other names: short protein forms R1028G.
Identifiers: ClinVar variation 1942439 (VCV001942439.2), dbSNP rs538182235, ClinGen allele CA286374412.